The following is an entry in ClinVar:

NM_001458.5(FLNC):c.147_148delinsTT (p.Leu50Phe)

Gene: FLNC (filamin C; plus strand). Cytogenetic location: 7q32.1.
Variant type: Indel.
Coding change: c.147_148delinsTT on transcript NM_001458.5 (MANE Select); coding-DNA positions 147 to 148, CC replaced by TT.
Protein change: p.Leu50Phe; replaces leucine 50 with phenylalanine.
Molecular consequence: missense variant.
Genome position (GRCh38, 1-based): chr7:128,830,784-128,830,785, CC replaced by TT. VCF-style: chr7-128830784-CC-TT. GRCh37 (hg19) VCF-style: chr7-128470838-CC-TT.
Other names: c.147_148delinsTT, p.Leu50Phe (NM_001127487.2); short protein forms L50F.
Identifiers: ClinVar variation 3760114 (VCV003760114.2).

ClinVar aggregate classification (germline): Uncertain significance (1 of 4 stars; one submission).

Conditions:
Distal myopathy with posterior leg and anterior hand involvement. Also called: WILLIAMS DISTAL MYOPATHY. Identifiers: Orphanet 63273, MedGen C3279722, MONDO:0013550, OMIM 614065.
Hypertrophic cardiomyopathy 26. Also called: Cardiomyopathy, familial hypertrophic, 26. Identifiers: Orphanet 75249, MedGen C4310749, MONDO:0014883, OMIM 617047.
Myofibrillar myopathy 5. Also called: Filaminopathy (type); FILAMINOPATHY, AUTOSOMAL DOMINANT. Identifiers: Orphanet 171445, MedGen C1836050, MONDO:0012289, OMIM 609524.

Submission:

Labcorp Genetics (formerly Invitae), Labcorp
Classification: Uncertain significance for Distal myopathy with posterior leg and anterior hand involvement; Myofibrillar myopathy 5; Hypertrophic cardiomyopathy 26. Last evaluated: 2024-12-19. Review status: criteria provided, single submitter. Criteria: Invitae Variant Classification Sherloc (09022015). Collection method: clinical testing. Allele origin: germline.
Comment: This sequence change replaces leucine, which is neutral and non-polar, with phenylalanine, which is neutral and non-polar, at codon 50 of the FLNC protein (p.Leu50Phe). Information on the frequency of this variant in the gnomAD database is not available, as this variant may be reported differently in the database. This variant has not been reported in the literature in individuals affected with FLNC-related conditions. Experimental studies and prediction algorithms are not available or were not evaluated, and the functional significance of this variant is currently unknown. In summary, the available evidence is currently insufficient to determine the role of this variant in disease. Therefore, it has been classified as a Variant of Uncertain Significance.